The following is an entry in ClinVar:

ClinVar aggregate classification (germline): Uncertain significance (1 of 4 stars; one submission).

Conditions:
Inborn genetic diseases. Identifiers: MedGen C0950123, MeSH D030342.

Submission:

Ambry Genetics
Classification: Uncertain significance for Inborn genetic diseases. Last evaluated: 2025-10-27. Review status: criteria provided, single submitter. Criteria: Ambry Variant Classification Scheme 2023. Collection method: clinical testing. Allele origin: germline.
Comment: The c.3999G>A (p.V1333V) alteration is located in exon 16 (coding exon 16) of the CIC gene. This alteration consists of a G to A substitution at nucleotide position 3999. This nucleotide substitution does not change the amino acid at codon 1333. This variant was not reported in population-based cohorts in the Genome Aggregation Database (gnomAD). This nucleotide position is not well conserved in available vertebrate species. In silico splice site analysis predicts that this alteration will result in the creation or strengthening of a novel splice donor site. Based on insufficient or conflicting evidence, the clinical significance of this alteration remains unclear.

NM_001386298.1(CIC):c.6726G>A (p.Val2242=)

Gene: CIC (capicua transcriptional repressor; plus strand). Cytogenetic location: 19q13.2.
Variant type: single nucleotide variant.
Coding change: c.6726G>A on transcript NM_001386298.1 (MANE Select); coding-DNA position 6726, G replaced by A.
Protein change: p.Val2242=; no amino-acid change (valine 2242 retained).
Molecular consequence: synonymous variant.
Genome position (GRCh38, 1-based): chr19:42,293,795, G>A. VCF-style: chr19-42293795-G-A. GRCh37 (hg19) VCF-style: chr19-42797947-G-A.
Other names: c.6726G>A, p.Val2242= (NM_001304815.2, NM_001379482.1, NM_001439183.1 and 2 more transcripts); c.6723G>A, p.Val2241= (NM_001379480.1, NM_001439184.1, NM_001439185.1 and 1 more transcripts); c.3999G>A, p.Val1333= (NM_001379484.1, NM_001379485.1, NM_001439190.1 and 1 more transcripts); c.3996G>A, p.Val1332= (NM_001439189.1, NM_001439191.1).
Identifiers: ClinVar variation 4615698 (VCV004615698.1).
Genomic context (GRCh38, chr19:42,293,795, plus strand): 5'-GGCAGCCGGGGACACCCCGGAGCGCAAGGAGGCGGCTGGTACTGGCAAGAAGGTGAAGGT[G>A]CGGCCCCCGCCCCTGAAGAAGACCTTTGACTCTGTGGACAAGTGAGCATGGGCTGGGGCC-3'
Protein context (NP_001373227.1, residues 2232-2252): EAAGTGKKVK[Val2242=]RPPPLKKTFD